The following is an entry in ClinVar:

NM_024514.5(CYP2R1):c.882_897del (p.Thr294_Phe295insTer)

Genes: PDE3B (phosphodiesterase 3B; plus strand), CYP2R1 (cytochrome P450 family 2 subfamily R member 1; minus strand). Cytogenetic location: 11p15.2.
Variant type: Deletion.
Coding change: c.882_897del on transcript NM_024514.5 (MANE Select); coding-DNA positions 882 to 897, 16 bases deleted (TTTCTCCAAAGAAAAC).
Protein change: p.Thr294_Phe295insTer.
Molecular consequence: frameshift variant. On other transcripts: non-coding transcript variant (8), intron variant (1).
Genome position (GRCh38, 1-based): chr11:14,880,239-14,880,254, GTTTTCTTTGGAGAAA deleted on the plus strand (TTTCTCCAAAGAAAAC on the coding strand, the reverse complement: CYP2R1 is on the minus strand); deleting any 16 consecutive bases within chr11:14,880,239-14,880,256 gives the same sequence; the c. name uses the placement nearest the transcript's 3' end. VCF-style (leftmost placement, unchanged base first): chr11-14880238-GGTTTTCTTTGGAGAAA-G. GRCh37 (hg19) VCF-style: chr11-14901784-GGTTTTCTTTGGAGAAA-G.
Other names: c.537_552del, p.Thr179_Phe180insTer (NM_001377214.1, NM_001377215.1, NM_001377216.1 and 5 more transcripts); c.720_735del, p.Thr240_Phe241insTer (NM_001377217.1); c.183_198del, p.Thr61_Phe62insTer (NM_001400562.1, NM_001400563.1, NM_001400564.1 and 1 more transcripts); c.738_753del, p.Thr246_Phe247insTer (NM_001400567.1); c.837_852del, p.Thr279_Phe280insTer (NM_001400568.1); c.23-811_23-796del (NM_001400566.1).
Identifiers: ClinVar variation 2751033 (VCV002751033.3), dbSNP rs2494267841, ClinGen allele CA2697548480.

ClinVar aggregate classification (germline): Pathogenic (1 of 4 stars; one submission).

Submission:

Labcorp Genetics (formerly Invitae), Labcorp
Classification: Pathogenic. Last evaluated: 2023-08-24. Review status: criteria provided, single submitter. Criteria: Invitae Variant Classification Sherloc (09022015). Collection method: clinical testing. Allele origin: germline.
Comment: For these reasons, this variant has been classified as Pathogenic. This variant has not been reported in the literature in individuals affected with CYP2R1-related conditions. This variant is not present in population databases (gnomAD no frequency). This sequence change creates a premature translational stop signal (p.Phe295*) in the CYP2R1 gene. It is expected to result in an absent or disrupted protein product. Loss-of-function variants in CYP2R1 are known to be pathogenic (PMID: 15128933, 22855339, 25942481, 33715104).

Literature cited by the submitters: PubMed 15128933; PubMed 22855339; PubMed 25942481; PubMed 33715104.